The following is an entry in ClinVar:

NM_198904.4(GABRG2):c.316G>A (p.Ala106Thr)

Gene: GABRG2 (gamma-aminobutyric acid type A receptor subunit gamma2; plus strand). Cytogenetic location: 5q34.
Variant type: single nucleotide variant.
Coding change: c.316G>A on transcript NM_198904.4 (MANE Select); coding-DNA position 316, G replaced by A.
Protein change: p.Ala106Thr; replaces alanine 106 with threonine.
Molecular consequence: missense variant. On other transcripts: 5 prime UTR variant (2).
Genome position (GRCh38, 1-based): chr5:162,095,551, G>A. VCF-style: chr5-162095551-G-A. GRCh37 (hg19) VCF-style: chr5-161522557-G-A.
Other names: p.A106T:GCT>ACT; c.307G>A, p.Ala103Thr (NM_001375339.1); c.316G>A, p.Ala106Thr (NM_001375340.1, NM_001375341.1, NM_001375342.1 and 4 more transcripts); c.250G>A, p.Ala84Thr (NM_001375345.1, NM_001375346.1); c.229G>A, p.Ala77Thr (NM_001375347.1); c.-43G>A (NM_001375348.1, NM_001375350.1); c.31G>A, p.Ala11Thr (NM_001375349.1); short protein forms A106T, A103T, A11T, A77T, A84T.
Identifiers: ClinVar variation 205541 (VCV000205541.35), dbSNP rs796052505, ClinGen allele CA314712.

ClinVar aggregate classification (germline): Pathogenic/Likely pathogenic. Review status: criteria provided, multiple submitters, no conflicts (2 of 4 stars). 17 submissions from 16 submitters: Pathogenic (11); Likely pathogenic (3). 3 of the submissions do not count toward it. Last evaluated 2025-12-11.

Conditions:
Developmental and epileptic encephalopathy, 74. Also called: EPILEPTIC ENCEPHALOPATHY, EARLY INFANTILE, 74. Identifiers: MedGen C5193074, MONDO:0032725, OMIM 618396.
Febrile seizures, familial, 8 (FEB8). Also called: CONVULSIONS, FAMILIAL FEBRILE, 8. Identifiers: Orphanet 36387, MedGen C1969810, MONDO:0011891, OMIM 607681.
GABRG2-related disorder. Also called: GABRG2-related condition.
Inborn genetic diseases. Identifiers: MedGen C0950123, MeSH D030342.
EPILEPSY, CHILDHOOD ABSENCE, SUSCEPTIBILITY TO, 2 (ECA2). Identifiers: Orphanet 64280, MedGen C1843244, OMIM 607681.

Submissions (17):

Medical and Scientific Branch, Hong Kong Genome Institute
Classification: Likely pathogenic for Developmental and epileptic encephalopathy, 74. Last evaluated: 2025-12-11. Review status: criteria provided, single submitter. Criteria: ACMG Guidelines, 2015. Collection method: clinical testing. Allele origin: de novo. Affected: yes.

Labcorp Genetics (formerly Invitae), Labcorp
Classification: Pathogenic for Febrile seizures, familial, 8; EPILEPSY, CHILDHOOD ABSENCE, SUSCEPTIBILITY TO, 2. Last evaluated: 2025-10-20. Review status: criteria provided, single submitter. Criteria: Invitae Variant Classification Sherloc (09022015). Collection method: clinical testing. Allele origin: germline.
Comment: This sequence change replaces alanine, which is neutral and non-polar, with threonine, which is neutral and polar, at codon 106 of the GABRG2 protein (p.Ala106Thr). This variant is not present in population databases (gnomAD no frequency). This missense change has been observed in individual(s) with epileptic encephalopathy (PMID: 27730413, 27864268). In at least one individual the variant was observed to be de novo. ClinVar contains an entry for this variant (Variation ID: 205541). Invitae Evidence Modeling of protein sequence and biophysical properties (such as structural, functional, and spatial information, amino acid conservation, physicochemical variation, residue mobility, and thermodynamic stability) indicates that this missense variant is not expected to disrupt GABRG2 protein function with a negative predictive value of 95%. Experimental studies have shown that this missense change affects GABRG2 function (PMID: 27864268). For these reasons, this variant has been classified as Pathogenic.

Revvity Omics, Revvity
Classification: Pathogenic. Last evaluated: 2022-06-06. Review status: criteria provided, single submitter. Criteria: ACMG Guidelines, 2015. Collection method: clinical testing. Allele origin: germline.

GeneDx
Classification: Pathogenic. Last evaluated: 2022-04-12. Review status: criteria provided, single submitter. Criteria: GeneDx Variant Classification Process June 2021. Collection method: clinical testing. Allele origin: germline. Affected: yes.
Comment: Published functional studies of A106T transfected HEK293T cells demonstrated decreased GABA-evoked whole-cell currents and altered kinetic properties of GABA-A receptor currents (Shen et al., 2017); Not observed at significant frequency in large population cohorts (gnomAD); In silico analysis supports that this missense variant does not alter protein structure/function; This variant is associated with the following publications: (PMID: 29346770, 31171384, 31216405, 31087664, 30190672, 27864268, 28460589, 32901917, 32005694)

Blueprint Genetics
Classification: Pathogenic for GABRG2-related disorders. Last evaluated: 2021-12-09. Review status: criteria provided, single submitter. Criteria: ACMG Guidelines, 2015. Collection method: clinical testing. Allele origin: germline. Affected: yes. Observed: 1 variant allele.

3billion
Classification: Pathogenic for Developmental and epileptic encephalopathy, 74. Last evaluated: 2021-10-02. Review status: criteria provided, single submitter. Criteria: ACMG Guidelines, 2015. Collection method: clinical testing. Allele origin: germline. Affected: yes. Observed: 1 heterozygote.
Comment: Same nucleotide change resulting in same amino acid change has been previously reported as de novoo and observed in at least four similarly affected unrelated individuals (ClinVar ID: VCV000205541.11, PMID: 28460589, 27864268, 27730413, and 31216405, PS2 and PS4). It is not observed in the gnomAD v2.1.1 dataset (PM2). The variant was observed as assumed (i.e. paternity and maternity not confirmed) de novoo (3billion dataset, PM6). Therefore, this variant is classified as pathogenic according to the recommendation of ACMG/AMP guideline.

Genetics and Molecular Pathology, SA Pathology
Classification: Pathogenic for Developmental and epileptic encephalopathy, 74. Last evaluated: 2021-02-23. Review status: criteria provided, single submitter. Criteria: ACMG Guidelines, 2015. Collection method: clinical testing. Allele origin: germline. Affected: yes.

Baylor Genetics
Classification: Likely pathogenic for Febrile seizures, familial, 8. Last evaluated: 2018-10-12. Review status: criteria provided, single submitter. Criteria: ACMG Guidelines, 2015. Collection method: clinical testing. Allele origin: germline. Affected: yes.

Ambry Genetics
Classification: Pathogenic for Inborn genetic diseases. Last evaluated: 2018-09-26. Review status: criteria provided, single submitter. Criteria: Ambry Variant Classification Scheme 2023. Collection method: clinical testing. Allele origin: germline.
Comment: The p.A106T pathogenic mutation (also known as c.316G>A), located in coding exon 3 of the GABRG2 gene, results from a G to A substitution at nucleotide position 316. The alanine at codon 106 is replaced by threonine, an amino acid with similar properties. This mutation has been reported in multiple individuals with early-onset seizures, development delay, and hypotonia (Shen D et al. Brain, 2017 01;140:49-67; Zou F et al. J. Neurogenet. May;31:30-36). Functional studies of this mutation in HEK293T cells demonstrated a reduced surface level and altered kinetic properties (Shen D et al. Brain, 2017 01;140:49-67). Based on the supporting evidence, this alteration is interpreted as a disease-causing mutation.

Center for Genomics, Ann and Robert H. Lurie Children's Hospital of Chicago
Classification: Pathogenic for Febrile seizures, familial, 8. Last evaluated: 2018-08-27. Review status: criteria provided, single submitter. Criteria: ACMG Guidelines, 2015. Collection method: clinical testing. Allele origin: germline.
Comment: GABRG2 NM_000816.3 exon 3 p.Ala106Thr (c.316G>A): This variant has been reported in the literature in 6 individuals presenting with epilepsy and other features, 5 of whom were identified as de novo (Shen 2017 PMID:27864268; Zou 2017 PMID:28460589). This variant is absent from large control databases but is present in ClinVar, with several labs classifying this variant as pathogenic (Variation ID: 205541). Evolutionary conservation and computational predictive tools for this variant are unclear. Additionally, in vitro functional studies support that this variant will impact the protein, disrupting channel function (Shen 2017 PMID:27864268). In summary, this variant is classified as pathogenic based on the data above.

Undiagnosed Diseases Network, NIH
Classification: Pathogenic for Developmental and epileptic encephalopathy, 74. Last evaluated: 2016-10-25. Review status: criteria provided, single submitter. Criteria: ACMG Guidelines, 2015. Collection method: clinical testing. Allele origin: de novo. Affected: yes. Observed: 1 variant allele, 1 heterozygote. Study: Undiagnosed Diseases Network (NIH), UDN.
Comment: Rare de novo variant also identified in 4 other patients with very similar phenotype. Pathogenic given rare de novo variant also identified in four other patients with near identical phenotype, as reported in PMID 28460589.

Genomic Diagnostic Laboratory, Division of Genomic Diagnostics, Children's Hospital of Philadelphia
Classification: Likely pathogenic. Last evaluated: 2015-08-19. Review status: criteria provided, single submitter. Criteria: DGD Variant Analysis Guidelines. Collection method: clinical testing. Allele origin: unknown.

Center for Genomics, Ann and Robert H. Lurie Children's Hospital of Chicago
Classification: Pathogenic for Developmental and epileptic encephalopathy, 74; Febrile seizures, familial, 8. Review status: criteria provided, single submitter. Criteria: ACMG Guidelines, 2015. Collection method: clinical testing. Allele origin: germline.
Comment: the same text as in the submission from Center for Genomics, Ann and Robert H. Lurie Children's Hospital of Chicago above.

Juno Genomics, Hangzhou Juno Genomics, Inc
Classification: Pathogenic for Developmental and epileptic encephalopathy, 74; Febrile seizures, familial, 8. Review status: criteria provided, single submitter. Criteria: ACMG Guidelines, 2015. Collection method: clinical testing. Allele origin: germline. Affected: yes.
Comment: Absent from controls (or at extremely low frequency if recessive) in Genome Aggregation Database, Exome Sequencing Project, 1000 Genomes Project, or Exome Aggregation Consortium.;Missense variant in a gene that has a low rate of benign missense variation and where missense variants are a common mechanism of disease.;The prevalence of the variant in affected individuals is significantly increased compared to the prevalence in controls.;Assumed de novo, but without confirmation of paternity and maternity.;Well-established in vitro or in vivo functional studies supportive of a damaging effect on the gene or gene product.

OMIM
Classification: Pathogenic for DEVELOPMENTAL AND EPILEPTIC ENCEPHALOPATHY 74. Last evaluated: 2020-11-25. Review status: no assertion criteria provided. Collection method: literature only. Allele origin: germline. Not counted in ClinVar's aggregate classification.

Genome Diagnostics Laboratory, Amsterdam University Medical Center
Classification: Pathogenic. Review status: no assertion criteria provided. Collection method: clinical testing. Allele origin: germline. Affected: yes. Study: VKGL Data-share Consensus. Not counted in ClinVar's aggregate classification.

Genome Diagnostics Laboratory, University Medical Center Utrecht
Classification: Pathogenic. Review status: no assertion criteria provided. Collection method: clinical testing. Allele origin: germline. Affected: yes. Study: VKGL Data-share Consensus. Not counted in ClinVar's aggregate classification.

Literature cited by the submitters: PubMed 27730413 (cited by Labcorp Genetics (formerly Invitae), Labcorp and 3billion); PubMed 27864268 (cited by 5 submitters); PubMed 28460589 (cited by 3 submitters); PubMed 31216405 (cited by 3billion).